The following is an entry in ClinVar:

ClinVar aggregate classification (germline): Pathogenic (1 of 4 stars; one submission).

Conditions:
Citrin deficiency. Identifiers: Orphanet 247582, MedGen C1997910, MONDO:0016602.

Submission:

Labcorp Genetics (formerly Invitae), Labcorp
Classification: Pathogenic for Citrin deficiency. Last evaluated: 2022-11-06. Review status: criteria provided, single submitter. Criteria: Invitae Variant Classification Sherloc (09022015). Collection method: clinical testing. Allele origin: germline.
Comment: For these reasons, this variant has been classified as Pathogenic. This variant has not been reported in the literature in individuals affected with SLC25A13-related conditions. The frequency data for this variant in the population databases is considered unreliable, as metrics indicate poor data quality at this position in the gnomAD database. This sequence change creates a premature translational stop signal (p.Glu59Asnfs*3) in the SLC25A13 gene. It is expected to result in an absent or disrupted protein product. Loss-of-function variants in SLC25A13 are known to be pathogenic (PMID: 10369257, 14680984, 27405544).

Literature cited by the submitters: PubMed 10369257; PubMed 14680984; PubMed 27405544.

NM_014251.3(SLC25A13):c.175del (p.Glu59fs)

Gene: SLC25A13 (solute carrier family 25 member 13; minus strand). Cytogenetic location: 7q21.3.
Variant type: Deletion.
Coding change: c.175del on transcript NM_014251.3 (MANE Select); coding-DNA position 175, one base deleted (G; older notation c.175delG).
Protein change: p.Glu59fs; shifts the reading frame from glutamic acid 59.
Molecular consequence: frameshift variant. On other transcripts: non-coding transcript variant (1).
Genome position (GRCh38, 1-based): chr7:96,277,233, C deleted on the plus strand (G on the coding strand, the reverse complement: SLC25A13 is on the minus strand); the first of 2 consecutive C bases (chr7:96,277,233-96,277,234); deleting either gives the same sequence. VCF-style (leftmost placement, unchanged base first): chr7-96277232-TC-T. GRCh37 (hg19) VCF-style: chr7-95906544-TC-T.
Other names: c.175del, p.Glu59fs (NM_001160210.2); short protein forms E59fs.
Identifiers: ClinVar variation 2810503 (VCV002810503.3), dbSNP rs2486088642, ClinGen allele CA576585699.